The following is an entry in ClinVar:

ClinVar aggregate classification (germline): Uncertain significance (1 of 4 stars; one submission).

Conditions:
PLXNA4-related disorder. Also called: PLXNA4-related condition.

Allele frequency attached by ClinVar (database versions not stated): 1000 Genomes Project 30x 0.00031; ESP Exome Variant Server 0.00031; 1000 Genomes Project 0.00040; ExAC 0.00041.
gnomAD v4.1: 357 of 1,614,130 alleles (0.022%); highest among the groups gnomAD compares: Non-Finnish European, 0.021%; no homozygotes.

Submission:

PreventionGenetics, part of Exact Sciences
Classification: Uncertain significance for PLXNA4-related condition. Last evaluated: 2026-07-01. Review status: criteria provided, single submitter. Criteria: ACMG Guidelines, 2015. Collection method: clinical testing. Allele origin: germline.
Comment: The PLXNA4 c.142G>A variant is predicted to result in the amino acid substitution p.Ala48Thr. This variant has been reported along with two other variants in different genes  in an individual with autism (Supp. Data 1, ID 1-0226-005, Zhou et al. 2022. PubMed ID: 35982159). This variant is reported in 0.087% of alleles in individuals of Ashkenazi Jewish descent in gnomAD, which may be too frequent to be a primary cause of disease. Although we suspect that this variant may be benign, at this time, the clinical significance of this variant is uncertain due to the absence of conclusive functional and genetic evidence.

NM_020911.2(PLXNA4):c.142G>A (p.Ala48Thr)

Gene: PLXNA4 (plexin A4; minus strand). Cytogenetic location: 7q32.3.
Variant type: single nucleotide variant.
Coding change: c.142G>A on transcript NM_020911.2 (MANE Select); coding-DNA position 142, G replaced by A.
Protein change: p.Ala48Thr; replaces alanine 48 with threonine.
Molecular consequence: missense variant.
Genome position (GRCh38, 1-based): chr7:132,508,552, C>T on the plus strand (G>A on the coding strand, the complement: PLXNA4 is on the minus strand). VCF-style: chr7-132508552-C-T. GRCh37 (hg19) VCF-style: chr7-132193311-C-T.
Other names: c.142G>A, p.Ala48Thr (NM_001105543.2, NM_001393897.1, NM_181775.4); short protein forms A48T.
Identifiers: ClinVar variation 2634270 (VCV002634270.3), dbSNP rs139738239, ClinGen allele CA4490544.